The following is an entry in ClinVar:

NM_003318.5(TTK):c.1365C>A (p.Ser455Arg)

Gene: TTK (TTK protein kinase; plus strand). Cytogenetic location: 6q14.1.
Variant type: single nucleotide variant.
Coding change: c.1365C>A on transcript NM_003318.5 (MANE Select); coding-DNA position 1365, C replaced by A.
Protein change: p.Ser455Arg; replaces serine 455 with arginine.
Molecular consequence: missense variant.
Genome position (GRCh38, 1-based): chr6:80,026,485, C>A. VCF-style: chr6-80026485-C-A. GRCh37 (hg19) VCF-style: chr6-80736202-C-A.
Other names: c.1362C>A, p.Ser454Arg (NM_001166691.2, NM_001437890.1); c.1365C>A, p.Ser455Arg (NM_001438341.1); short protein forms S454R, S455R.
Identifiers: ClinVar variation 4866164 (VCV004866164.1).

ClinVar aggregate classification (germline): Uncertain significance (1 of 4 stars; one submission).

gnomAD v4.1: 66 of 1,613,858 alleles (0.0041%); highest among the groups gnomAD compares: Middle Eastern, 0.033%; no homozygotes.

Submission:

Ambry Genetics
Classification: Uncertain significance. Last evaluated: 2026-04-20. Review status: criteria provided, single submitter. Criteria: Ambry Variant Classification Scheme 2023. Collection method: clinical testing. Allele origin: germline.
Comment: The c.1365C>A (p.S455R) alteration is located in exon 12 (coding exon 11) of the TTK gene. This alteration results from a C to A substitution at nucleotide position 1365, causing the serine (S) at amino acid position 455 to be replaced by an arginine (R). Based on data from gnomAD, the A allele has an overall frequency of 0.003% (8/251026) total alleles studied. The highest observed frequency was 0.005% (6/113424) of European (non-Finnish) alleles. Based on insufficient or conflicting evidence, the clinical significance of this alteration remains unclear.